The following is an entry in ClinVar:

NM_000038.6(APC):c.1074G>T (p.Gln358His)

Gene: APC (APC regulator of Wnt signaling pathway; plus strand). Cytogenetic location: 5q22.2.
Variant type: single nucleotide variant.
Coding change: c.1074G>T on transcript NM_000038.6 (MANE Select); coding-DNA position 1074, G replaced by T.
Protein change: p.Gln358His; replaces glutamine 358 with histidine.
Molecular consequence: missense variant. On other transcripts: non-coding transcript variant (2), intron variant (15).
Genome position (GRCh38, 1-based): chr5:112,819,106, G>T. VCF-style: chr5-112819106-G-T. GRCh37 (hg19) VCF-style: chr5-112154803-G-T.
Other names: c.1074G>T, p.Gln358His (NM_001127510.3, NM_001354895.2, NM_001354896.2 and 4 more transcripts); c.1020G>T, p.Gln340His (NM_001127511.3); c.1104G>T, p.Gln368His (NM_001354897.2, NM_001407446.1); c.999G>T, p.Gln333His (NM_001354898.2, NM_001407451.1); c.990G>T, p.Gln330His (NM_001354899.2, NM_001407452.1); c.897G>T, p.Gln299His (NM_001354900.2, NM_001354901.2, NM_001407453.1); c.225G>T, p.Gln75His (NM_001354906.2, NM_001407470.1); c.85-163G>T (NM_001407472.1, NM_001407471.1); and 5 more; short protein forms Q340H, Q333H, Q358H, Q368H, Q75H, Q299H, Q330H.
Identifiers: ClinVar variation 3929259 (VCV003929259.1).
Genomic context (GRCh38, chr5:112,819,106, plus strand): 5'-TAGCTCCCAAGACAGCTGTATATCCATGCGACAGTCTGGATGTCTTCCTCTCCTCATCCA[G>T]CTTTTACATGGCAATGACAAAGACTCTGTATTGTTGGGAAATTCCCGGGGCAGTAAAGAG-3'
Protein context (NP_000029.2, residues 348-368): RQSGCLPLLI[Gln358His]LLHGNDKDSV

ClinVar aggregate classification (germline): Uncertain significance (1 of 4 stars; one submission).

Conditions:
Hereditary cancer-predisposing syndrome. Also called: Hereditary Cancer Syndrome; Hereditary neoplastic syndrome; Neoplastic Syndromes, Hereditary; Tumor predisposition. Identifiers: Orphanet 140162, MedGen C0027672, MeSH D009386, MONDO:0015356.

Submission:

Ambry Genetics
Classification: Uncertain significance for Hereditary cancer-predisposing syndrome. Last evaluated: 2025-05-07. Review status: criteria provided, single submitter. Criteria: Ambry Variant Classification Scheme 2023. Collection method: clinical testing. Allele origin: germline.
Comment: The p.Q358H variant (also known as c.1074G>T), located in coding exon 9 of the APC gene, results from a G to T substitution at nucleotide position 1074. The glutamine at codon 358 is replaced by histidine, an amino acid with highly similar properties. This amino acid position is conserved. In addition, in silico predictors for this gene do not accurately predict pathogenicity. Based on the available evidence, the clinical significance of this variant remains unclear.